The following is an entry in ClinVar:

ClinVar aggregate classification (germline): Uncertain significance (1 of 4 stars; one submission).

Allele frequency attached by ClinVar (database versions not stated): gnomAD 0.00001; TOPMed 0.00001.
gnomAD v4.1: 1 of 1,613,492 alleles (0.000062%); highest among the groups gnomAD compares: Non-Finnish European, 0.000085%; no homozygotes.

Submission:

GeneDx
Classification: Uncertain significance. Last evaluated: 2019-10-11. Review status: criteria provided, single submitter. Criteria: GeneDx Variant Classification Process June 2021. Collection method: clinical testing. Allele origin: germline. Affected: yes.
Comment: Not observed in large population cohorts (Lek et al., 2016); In silico analysis, which includes protein predictors and evolutionary conservation, supports that this variant does not alter protein structure/function; Has not been previously published as pathogenic or benign to our knowledge

NM_001077350.3(NPRL3):c.1123T>G (p.Ser375Ala)

Genes: HBA-LCR (alpha-globin locus control region; plus strand), NPRL3 (NPR3 like, GATOR1 complex subunit; minus strand). Cytogenetic location: 16p13.3.
Variant type: single nucleotide variant.
Coding change: c.1123T>G on transcript NM_001077350.3 (MANE Select); coding-DNA position 1123, T replaced by G.
Protein change: p.Ser375Ala; replaces serine 375 with alanine.
Molecular consequence: missense variant.
Genome position (GRCh38, 1-based): chr16:92,634, A>C on the plus strand (T>G on the coding strand, the complement: NPRL3 is on the minus strand). VCF-style: chr16-92634-A-C. GRCh37 (hg19) VCF-style: chr16-142632-A-C.
Other names: c.586T>G, p.Ser196Ala (NM_001039476.3); c.889T>G, p.Ser297Ala (NM_001243247.2); c.1048T>G, p.Ser350Ala (NM_001243248.2, NM_001243249.2); short protein forms S196A, S297A, S350A, S375A.
Identifiers: ClinVar variation 1189162 (VCV001189162.2), dbSNP rs1898809121, ClinGen allele CA394052945.